The following is an entry in ClinVar:

NM_001005373.4(LRSAM1):c.1259+252T>A

Gene: LRSAM1 (leucine rich repeat and sterile alpha motif containing 1; plus strand). Cytogenetic location: 9q33.3.
Variant type: single nucleotide variant.
Coding change: c.1259+252T>A on transcript NM_001005373.4 (MANE Select); 252 bases into the intron after coding-DNA position 1259, T replaced by A.
Molecular consequence: intron variant.
Genome position (GRCh38, 1-based): chr9:127,486,087, T>A. VCF-style: chr9-127486087-T-A. GRCh37 (hg19) VCF-style: chr9-130248366-T-A.
Other names: c.1259+252T>A (NM_138361.5, NM_001384142.1, NM_001384143.1 and 2 more transcripts); c.470+252T>A (NM_001384144.1).
Identifiers: ClinVar variation 684248 (VCV000684248.1), dbSNP rs2243464, ClinGen allele CA13058775.
Genomic context (GRCh38, chr9:127,486,087, plus strand): 5'-GTTAAAGTGGTAACAGTCATTCCCATTTCTTGTGCACTTCCTGTGTGGCAGGCACTCGGC[T>A]AAGCGATGAACCACATTCGCTGATTGATTCTAGGAGGGACTGTATTGTTATTAGCCCGAT-3'

ClinVar aggregate classification (germline): Benign (1 of 4 stars; one submission).

Allele frequency attached by ClinVar (database versions not stated): 1000 Genomes Project 30x 0.35322; 1000 Genomes Project 0.35603; TOPMed 0.40484; gnomAD 0.43378 and 0.43841.
gnomAD v4.1: 65,915 of 152,158 alleles (43%); highest among the groups gnomAD compares: Non-Finnish European, 50%; 15,091 homozygotes.

Submission:

GeneDx
Classification: Benign. Last evaluated: 2018-06-19. Review status: criteria provided, single submitter. Criteria: GeneDx Variant Classification (06012015). Collection method: clinical testing. Allele origin: germline. Affected: yes.
Comment: This variant is considered likely benign or benign based on one or more of the following criteria: it is a conservative change, it occurs at a poorly conserved position in the protein, it is predicted to be benign by multiple in silico algorithms, and/or has population frequency not consistent with disease.